The following is an entry in ClinVar:

NM_016004.5(IFT52):c.700-3T>G

Gene: IFT52 (intraflagellar transport 52; plus strand). Cytogenetic location: 20q13.12.
Variant type: single nucleotide variant.
Coding change: c.700-3T>G on transcript NM_016004.5 (MANE Select); 3 bases into the intron before coding-DNA position 700, T replaced by G.
Molecular consequence: intron variant.
Genome position (GRCh38, 1-based): chr20:43,620,854, T>G. VCF-style: chr20-43620854-T-G. GRCh37 (hg19) VCF-style: chr20-42249494-T-G.
Other names: c.172-3T>G (NM_001323578.2, NM_001323580.2); c.49-3T>G (NM_001323579.2, NM_001323581.2); c.700-3T>G (NM_001303458.3, NM_001303459.3).
Identifiers: ClinVar variation 1487622 (VCV001487622.6), dbSNP rs751404101, ClinGen allele CA9866971.

ClinVar aggregate classification (germline): Uncertain significance (1 of 4 stars; one submission).

Allele frequency attached by ClinVar (database versions not stated): ExAC 0.00001.

Submission:

Labcorp Genetics (formerly Invitae), Labcorp
Classification: Uncertain significance. Last evaluated: 2023-07-10. Review status: criteria provided, single submitter. Criteria: Invitae Variant Classification Sherloc (09022015). Collection method: clinical testing. Allele origin: germline.
Comment: This sequence change falls in intron 8 of the IFT52 gene. It does not directly change the encoded amino acid sequence of the IFT52 protein. It affects a nucleotide within the consensus splice site. In summary, the available evidence is currently insufficient to determine the role of this variant in disease. Therefore, it has been classified as a Variant of Uncertain Significance. Variants that disrupt the consensus splice site are a relatively common cause of aberrant splicing (PMID: 17576681, 9536098). Algorithms developed to predict the effect of sequence changes on RNA splicing suggest that this variant may disrupt the consensus splice site. ClinVar contains an entry for this variant (Variation ID: 1487622). This variant has not been reported in the literature in individuals affected with IFT52-related conditions. This variant is present in population databases (rs751404101, gnomAD 0.003%).

Literature cited by the submitters: PubMed 17576681; PubMed 9536098.